The following continues an entry in ClinVar:

NM_032271.3(TRAF7):c.792C>T (p.Tyr264=)

Gene: TRAF7. ClinVar aggregate classification (germline): Benign. Benign (2).

Submissions 33 to 44 of 44:

Dr. Peter K. Rogan Lab, Western University
No classification provided (evidence only). Condition: Ovarian serous cystadenocarcinoma. Review status: no classification provided. Collection method: in vitro. Allele origin: not applicable. Functional consequence: retained intron. Not counted in ClinVar's aggregate classification.

Dr. Peter K. Rogan Lab, Western University
No classification provided (evidence only). Condition: Ovarian serous cystadenocarcinoma. Review status: no classification provided. Collection method: in vitro. Allele origin: not applicable. Functional consequence: retained intron. Not counted in ClinVar's aggregate classification.

Dr. Peter K. Rogan Lab, Western University
No classification provided (evidence only). Condition: Ovarian serous cystadenocarcinoma. Review status: no classification provided. Collection method: in vitro. Allele origin: not applicable. Functional consequence: retained intron. Not counted in ClinVar's aggregate classification.

Dr. Peter K. Rogan Lab, Western University
No classification provided (evidence only). Condition: Ovarian serous cystadenocarcinoma. Review status: no classification provided. Collection method: in vitro. Allele origin: not applicable. Functional consequence: retained intron. Not counted in ClinVar's aggregate classification.

Dr. Peter K. Rogan Lab, Western University
No classification provided (evidence only). Condition: Gastric cancer. Review status: no classification provided. Collection method: in vitro. Allele origin: not applicable. Functional consequence: retained intron. Not counted in ClinVar's aggregate classification.

Dr. Peter K. Rogan Lab, Western University
No classification provided (evidence only). Condition: Adrenocortical carcinoma, hereditary. Review status: no classification provided. Collection method: in vitro. Allele origin: not applicable. Functional consequence: retained intron. Not counted in ClinVar's aggregate classification.

Dr. Peter K. Rogan Lab, Western University
No classification provided (evidence only). Condition: Malignant tumor of esophagus. Review status: no classification provided. Collection method: in vitro. Allele origin: not applicable. Functional consequence: retained intron. Not counted in ClinVar's aggregate classification.

Dr. Peter K. Rogan Lab, Western University
No classification provided (evidence only). Condition: Malignant tumor of esophagus. Review status: no classification provided. Collection method: in vitro. Allele origin: not applicable. Functional consequence: retained intron. Not counted in ClinVar's aggregate classification.

Dr. Peter K. Rogan Lab, Western University
No classification provided (evidence only). Condition: Malignant tumor of esophagus. Review status: no classification provided. Collection method: in vitro. Allele origin: not applicable. Functional consequence: retained intron. Not counted in ClinVar's aggregate classification.

Dr. Peter K. Rogan Lab, Western University
No classification provided (evidence only). Condition: Malignant tumor of esophagus. Review status: no classification provided. Collection method: in vitro. Allele origin: not applicable. Functional consequence: retained intron. Not counted in ClinVar's aggregate classification.

Dr. Peter K. Rogan Lab, Western University
No classification provided (evidence only). Condition: Malignant tumor of esophagus. Review status: no classification provided. Collection method: in vitro. Allele origin: not applicable. Functional consequence: retained intron. Not counted in ClinVar's aggregate classification.

Dr. Peter K. Rogan Lab, Western University
No classification provided (evidence only). Condition: Malignant tumor of esophagus. Review status: no classification provided. Collection method: in vitro. Allele origin: not applicable. Functional consequence: retained intron. Not counted in ClinVar's aggregate classification.